The following is an entry in ClinVar:

NM_014846.4(WASHC5):c.2575C>T (p.Arg859Cys)

Genes: WASHC5 (WASH complex subunit 5; minus strand), WASHC5-AS1 (WASHC5 antisense RNA 1; plus strand). Cytogenetic location: 8q24.13.
Variant type: single nucleotide variant.
Coding change: c.2575C>T on transcript NM_014846.4 (MANE Select); coding-DNA position 2575, C replaced by T.
Protein change: p.Arg859Cys; replaces arginine 859 with cysteine.
Molecular consequence: missense variant. On other transcripts: non-coding transcript variant (1).
Genome position (GRCh38, 1-based): chr8:125,044,628, G>A on the plus strand (C>T on the coding strand, the complement: WASHC5 is on the minus strand). VCF-style: chr8-125044628-G-A. GRCh37 (hg19) VCF-style: chr8-126056870-G-A.
Other names: p.Arg859Cys; c.2131C>T, p.Arg711Cys (NM_001330609.2); c.2575C>T (NM_014846.3); short protein forms R859C, R711C.
Identifiers: ClinVar variation 287975 (VCV000287975.15), dbSNP rs202015963, ClinGen allele CA4873488.

ClinVar aggregate classification (germline): Uncertain significance. Review status: criteria provided, multiple submitters, no conflicts (2 of 4 stars). 7 submissions from 7 submitters: Uncertain significance (7). Last evaluated 2025-10-30.

Conditions:
WASHC5-related disorder. Also called: WASHC5-related condition.
Hereditary spastic paraplegia 8 (SPG8). Also called: SPASTIC PARAPLEGIA 8, AUTOSOMAL DOMINANT. Identifiers: Orphanet 100989, MedGen C1863704, MONDO:0011339, OMIM 603563.
Ritscher-Schinzel syndrome. Also called: CRANIOCEREBELLOCARDIAC DYSPLASIA. Identifiers: Orphanet 7, MedGen C0796137, MONDO:0019078.
Ritscher-Schinzel syndrome 1 (RTSC1). Identifiers: Orphanet 7, MedGen C4551776, MONDO:0009073, OMIM 220210.

Allele frequency attached by ClinVar (database versions not stated): TOPMed 0.00004; gnomAD 0.00005 and 0.00008; gnomAD exomes 0.00005 and 0.00012; ExAC 0.00012; 1000 Genomes Project 30x 0.00016; 1000 Genomes Project 0.00020.
gnomAD v4.1: 85 of 1,613,996 alleles (0.0053%); highest among the groups gnomAD compares: East Asian, 0.071%; no homozygotes.

Submissions (7):

Mayo Clinic Laboratories, Mayo Clinic
Classification: Uncertain significance. Last evaluated: 2025-10-30. Review status: criteria provided, single submitter. Criteria: ACMG Guidelines, 2015. Collection method: clinical testing. Allele origin: germline. Observed: 1 variant allele.
Comment: PP3

Labcorp Genetics (formerly Invitae), Labcorp
Classification: Uncertain significance for Ritscher-Schinzel syndrome; Hereditary spastic paraplegia 8. Last evaluated: 2025-02-19. Review status: criteria provided, single submitter. Criteria: Invitae Variant Classification Sherloc (09022015). Collection method: clinical testing. Allele origin: germline.
Comment: This sequence change replaces arginine, which is basic and polar, with cysteine, which is neutral and slightly polar, at codon 859 of the WASHC5 protein (p.Arg859Cys). This variant is present in population databases (rs202015963, gnomAD 0.06%). This variant has not been reported in the literature in individuals affected with WASHC5-related conditions. ClinVar contains an entry for this variant (Variation ID: 287975). Invitae Evidence Modeling of protein sequence and biophysical properties (such as structural, functional, and spatial information, amino acid conservation, physicochemical variation, residue mobility, and thermodynamic stability) indicates that this missense variant is not expected to disrupt WASHC5 protein function with a negative predictive value of 80%. In summary, the available evidence is currently insufficient to determine the role of this variant in disease. Therefore, it has been classified as a Variant of Uncertain Significance.

Blueprint Genetics
Classification: Uncertain significance. Last evaluated: 2024-11-11. Review status: criteria provided, single submitter. Criteria: ACMG Guidelines, 2015. Collection method: clinical testing. Allele origin: germline.

PreventionGenetics, part of Exact Sciences
Classification: Uncertain significance for WASHC5-related condition. Last evaluated: 2023-01-04. Review status: criteria provided, single submitter. Criteria: ACMG Guidelines, 2015. Collection method: clinical testing. Allele origin: germline.
Comment: The WASHC5 c.2575C>T variant is predicted to result in the amino acid substitution p.Arg859Cys. To our knowledge, this variant has not been reported in the literature. This variant is reported in 0.060% of alleles in individuals of East Asian descent in gnomAD. At this time, the clinical significance of this variant is uncertain due to the absence of conclusive functional and genetic evidence.

Revvity Omics, Revvity
Classification: Uncertain significance. Last evaluated: 2019-07-17. Review status: criteria provided, single submitter. Criteria: ACMG Guidelines, 2015. Collection method: clinical testing. Allele origin: germline.

Eurofins Ntd Llc (ga)
Classification: Uncertain significance. Last evaluated: 2016-06-15. Review status: criteria provided, single submitter. Criteria: EGL Classification Definitions 2015. Collection method: clinical testing. Allele origin: germline. Observed: 1 variant allele, 1 heterozygote.

Juno Genomics, Hangzhou Juno Genomics, Inc
Classification: Uncertain significance for Hereditary spastic paraplegia 8; Ritscher-Schinzel syndrome 1. Review status: criteria provided, single submitter. Criteria: ACMG Guidelines, 2015. Collection method: clinical testing. Allele origin: germline.
Comment: Absent from controls (or at extremely low frequency if recessive) in Genome Aggregation Database.;Multiple lines of computational evidence support a deleterious effect on the gene or gene product.